The following is an entry in ClinVar:

ClinVar aggregate classification (germline): Uncertain significance (1 of 4 stars; one submission).

Conditions:
Inborn genetic diseases. Identifiers: MedGen C0950123, MeSH D030342.

Allele frequency attached by ClinVar (database versions not stated): gnomAD exomes below 0.00001; ExAC 0.00001.
gnomAD v4.1: 1 of 1,613,526 alleles (0.000062%); highest among the groups gnomAD compares: African/African-American, 0.0013%; no homozygotes.

Submission:

Ambry Genetics
Classification: Uncertain significance for Inborn genetic diseases. Last evaluated: 2023-12-29. Review status: criteria provided, single submitter. Criteria: Ambry Variant Classification Scheme 2023. Collection method: clinical testing. Allele origin: germline.
Comment: The p.C489S variant (also known as c.1466G>C), located in coding exon 15 of the ERCC2 gene, results from a G to C substitution at nucleotide position 1466. The cysteine at codon 489 is replaced by serine, an amino acid with dissimilar properties. This amino acid position is conserved. In addition, this alteration is predicted to be deleterious by in silico analysis. Since supporting evidence is limited at this time, the clinical significance of this alteration remains unclear.

NM_000400.4(ERCC2):c.1466G>C (p.Cys489Ser)

Gene: ERCC2 (ERCC excision repair 2, TFIIH core complex helicase subunit; minus strand). Cytogenetic location: 19q13.32.
Variant type: single nucleotide variant.
Coding change: c.1466G>C on transcript NM_000400.4 (MANE Select); coding-DNA position 1466, G replaced by C.
Protein change: p.Cys489Ser; replaces cysteine 489 with serine.
Molecular consequence: missense variant.
Genome position (GRCh38, 1-based): chr19:45,357,283, C>G on the plus strand (G>C on the coding strand, the complement: ERCC2 is on the minus strand). VCF-style: chr19-45357283-C-G. GRCh37 (hg19) VCF-style: chr19-45860541-C-G.
Other names: short protein forms C489S.
Identifiers: ClinVar variation 3231644 (VCV003231644.1), dbSNP rs765647206, ClinGen allele CA9513285.